The following is an entry in ClinVar:

ClinVar aggregate classification (germline): Uncertain significance (1 of 4 stars; one submission).

Conditions:
Methylmalonic aciduria and homocystinuria type cblF. Also called: COBALAMIN F DISEASE; COBALAMIN, DEFECT IN LYSOSOMAL RELEASE OF; METHYLMALONIC ACIDEMIA AND HOMOCYSTINURIA, cblF TYPE; METHYLMALONIC ACIDURIA DUE TO VITAMIN B12-RELEASE DEFECT; VITAMIN B12 LYSOSOMAL RELEASE DEFECT; VITAMIN B12 STORAGE DISEASE. Identifiers: Orphanet 79284, MedGen C1848578, MONDO:0010183, OMIM 277380.

Allele frequency attached by ClinVar (database versions not stated): TOPMed 0.00005; gnomAD 0.00006; gnomAD exomes 0.00002.
gnomAD v4.1: 14 of 1,612,140 alleles (0.00087%); highest among the groups gnomAD compares: African/African-American, 0.0013%; no homozygotes.

Submission:

Labcorp Genetics (formerly Invitae), Labcorp
Classification: Uncertain significance for Methylmalonic aciduria and homocystinuria type cblF. Last evaluated: 2022-06-27. Review status: criteria provided, single submitter. Criteria: Invitae Variant Classification Sherloc (09022015). Collection method: clinical testing. Allele origin: germline.
Comment: This sequence change replaces valine, which is neutral and non-polar, with leucine, which is neutral and non-polar, at codon 504 of the LMBRD1 protein (p.Val504Leu). This variant is present in population databases (no rsID available, gnomAD 0.004%). This variant has not been reported in the literature in individuals affected with LMBRD1-related conditions. ClinVar contains an entry for this variant (Variation ID: 684470). Algorithms developed to predict the effect of missense changes on protein structure and function (SIFT, PolyPhen-2, Align-GVGD) all suggest that this variant is likely to be tolerated. Algorithms developed to predict the effect of sequence changes on RNA splicing suggest that this variant may disrupt the consensus splice site. In summary, the available evidence is currently insufficient to determine the role of this variant in disease. Therefore, it has been classified as a Variant of Uncertain Significance.

NM_018368.4(LMBRD1):c.1510G>T (p.Val504Leu)

Gene: LMBRD1 (LMBR1 domain containing 1; minus strand). Cytogenetic location: 6q13.
Variant type: single nucleotide variant.
Coding change: c.1510G>T on transcript NM_018368.4 (MANE Select); coding-DNA position 1510, G replaced by T.
Protein change: p.Val504Leu; replaces valine 504 with leucine.
Molecular consequence: missense variant.
Genome position (GRCh38, 1-based): chr6:69,676,271, C>A on the plus strand (G>T on the coding strand, the complement: LMBRD1 is on the minus strand). VCF-style: chr6-69676271-C-A. GRCh37 (hg19) VCF-style: chr6-70386163-C-A.
Other names: c.1291G>T, p.Val431Leu (NM_001363722.2, NM_001367271.1, NM_001367272.1); short protein forms V504L, V431L.
Identifiers: ClinVar variation 684470 (VCV000684470.8), dbSNP rs980145400, ClinGen allele CA140850909.
Genomic context (GRCh38, chr6:69,676,271, plus strand): 5'-CTCCTTCAATAACCGATTTCTTCCCTTTACAACAGGATACAATTAATCCAATCAAAAATA[C>A]CTGTAAATTTAAATAAGCCATGTGTTATTTTTCAAATTTAAAATCATCTGGAAAGTAATG-3'
Protein context (NP_060838.3, residues 494-514): YYFGNWAFLG[Val504Leu]FLIGLIVSCC